The following is an entry in ClinVar:

ClinVar aggregate classification (germline): Likely pathogenic (1 of 4 stars; one submission).

Conditions:
F10-related disorder. Also called: F10-related condition.

Submission:

PreventionGenetics, part of Exact Sciences
Classification: Likely pathogenic for F10-related condition. Last evaluated: 2025-02-28. Review status: criteria provided, single submitter. Criteria: ACMG Guidelines, 2015. Collection method: clinical testing. Allele origin: germline.
Comment: The F10 c.679delA variant is predicted to result in a frameshift and premature protein termination (p.Arg227Glyfs*40). To our knowledge, this variant has not been reported in the literature. This variant is reported in 0.00089% of alleles in individuals of European (Non-Finnish) descent in gnomAD. Frameshift variants in F10 are expected to be pathogenic. This variant is interpreted as likely pathogenic.

NM_000504.4(F10):c.679del (p.Arg227fs)

Genes: F10 (coagulation factor X; plus strand), F10-AS2 (F10 antisense RNA 2; minus strand). Cytogenetic location: 13q34.
Variant type: Deletion.
Coding change: c.679del on transcript NM_000504.4 (MANE Select); coding-DNA position 679, one base deleted (A; older notation c.679delA).
Protein change: p.Arg227fs; shifts the reading frame from arginine 227.
Molecular consequence: frameshift variant.
Genome position (GRCh38, 1-based): chr13:113,144,027, A deleted. VCF-style (leftmost placement, unchanged base first): chr13-113144026-GA-G. GRCh37 (hg19) VCF-style: chr13-113798340-GA-G.
Other names: c.547del, p.Arg183fs (NM_001312674.2); c.679del, p.Arg227fs (NM_001312675.2); short protein forms R183fs, R227fs.
Identifiers: ClinVar variation 4987102 (VCV004987102.1).